The following is an entry in ClinVar:

NM_014875.3(KIF14):c.1852G>T (p.Asp618Tyr)

Gene: KIF14 (kinesin family member 14; minus strand). Cytogenetic location: 1q32.1.
Variant type: single nucleotide variant.
Coding change: c.1852G>T on transcript NM_014875.3 (MANE Select); coding-DNA position 1852, G replaced by T.
Protein change: p.Asp618Tyr; replaces aspartic acid 618 with tyrosine.
Molecular consequence: missense variant.
Genome position (GRCh38, 1-based): chr1:200,603,850, C>A on the plus strand (G>T on the coding strand, the complement: KIF14 is on the minus strand). VCF-style: chr1-200603850-C-A. GRCh37 (hg19) VCF-style: chr1-200572978-C-A.
Other names: c.379G>T, p.Asp127Tyr (NM_001305792.1); short protein forms D127Y, D618Y.
Identifiers: ClinVar variation 2082930 (VCV002082930.1), dbSNP rs753200821, ClinGen allele CA1317701.

ClinVar aggregate classification (germline): Uncertain significance (1 of 4 stars; one submission).

Allele frequency attached by ClinVar (database versions not stated): gnomAD 0.00001; ExAC 0.00015.
gnomAD v4.1: 53 of 1,591,872 alleles (0.0033%); highest among the groups gnomAD compares: Admixed American, 0.005%; no homozygotes.

Submission:

Labcorp Genetics (formerly Invitae), Labcorp
Classification: Uncertain significance. Last evaluated: 2022-01-17. Review status: criteria provided, single submitter. Criteria: Invitae Variant Classification Sherloc (09022015). Collection method: clinical testing. Allele origin: germline.
Comment: This sequence change replaces aspartic acid, which is acidic and polar, with tyrosine, which is neutral and polar, at codon 618 of the KIF14 protein (p.Asp618Tyr). This variant is present in population databases (rs753200821, gnomAD 0.01%). This variant has not been reported in the literature in individuals affected with KIF14-related conditions. Algorithms developed to predict the effect of missense changes on protein structure and function are either unavailable or do not agree on the potential impact of this missense change (SIFT: "Deleterious"; PolyPhen-2: "Possibly Damaging"; Align-GVGD: "Class C0"). In summary, the available evidence is currently insufficient to determine the role of this variant in disease. Therefore, it has been classified as a Variant of Uncertain Significance.